The following is an entry in ClinVar:

NM_032043.3(BRIP1):c.3475G>C (p.Ala1159Pro)

Gene: BRIP1 (BRCA1 interacting DNA helicase 1; minus strand). Cytogenetic location: 17q23.2.
Variant type: single nucleotide variant.
Coding change: c.3475G>C on transcript NM_032043.3 (MANE Select); coding-DNA position 3475, G replaced by C.
Protein change: p.Ala1159Pro; replaces alanine 1159 with proline.
Molecular consequence: missense variant.
Genome position (GRCh38, 1-based): chr17:61,683,571, C>G on the plus strand (G>C on the coding strand, the complement: BRIP1 is on the minus strand). VCF-style: chr17-61683571-C-G. GRCh37 (hg19) VCF-style: chr17-59760932-C-G.
Other names: short protein forms A1159P.
Identifiers: ClinVar variation 823816 (VCV000823816.12), dbSNP rs368610199, ClinGen allele CA400478625.

ClinVar aggregate classification (germline): Uncertain significance. Review status: criteria provided, multiple submitters, no conflicts (2 of 4 stars). 2 submissions from 2 submitters: Uncertain significance (2). Last evaluated 2024-11-06.

Conditions:
Hereditary cancer-predisposing syndrome. Also called: Neoplastic Syndromes, Hereditary; Hereditary Cancer Syndrome; Hereditary neoplastic syndrome; Tumor predisposition. Identifiers: Orphanet 140162, MedGen C0027672, MeSH D009386, MONDO:0015356.
Fanconi anemia complementation group J. Also called: BRIP1-Related Fanconi Anemia. Identifiers: Orphanet 84, MedGen C1836860, MONDO:0012187, OMIM 609054.
Familial cancer of breast. Also called: hereditary breast carcinoma; BREAST CANCER, FAMILIAL; Hereditary breast cancer. Identifiers: Orphanet 227535, MedGen C0346153, MONDO:0016419, OMIM 114480. Disease mechanism: loss of function.

Submissions (2):

Labcorp Genetics (formerly Invitae), Labcorp
Classification: Uncertain significance for Familial cancer of breast; Fanconi anemia complementation group J. Last evaluated: 2024-11-06. Review status: criteria provided, single submitter. Criteria: Invitae Variant Classification Sherloc (09022015). Collection method: clinical testing. Allele origin: germline.
Comment: This sequence change replaces alanine, which is neutral and non-polar, with proline, which is neutral and non-polar, at codon 1159 of the BRIP1 protein (p.Ala1159Pro). This variant is not present in population databases (gnomAD no frequency). This variant has not been reported in the literature in individuals affected with BRIP1-related conditions. ClinVar contains an entry for this variant (Variation ID: 823816). Invitae Evidence Modeling of protein sequence and biophysical properties (such as structural, functional, and spatial information, amino acid conservation, physicochemical variation, residue mobility, and thermodynamic stability) indicates that this missense variant is not expected to disrupt BRIP1 protein function with a negative predictive value of 95%. In summary, the available evidence is currently insufficient to determine the role of this variant in disease. Therefore, it has been classified as a Variant of Uncertain Significance.

Ambry Genetics
Classification: Uncertain significance for Hereditary cancer-predisposing syndrome. Last evaluated: 2024-03-20. Review status: criteria provided, single submitter. Criteria: Ambry Variant Classification Scheme 2023. Collection method: clinical testing. Allele origin: germline.
Comment: The p.A1159P variant (also known as c.3475G>C), located in coding exon 19 of the BRIP1 gene, results from a G to C substitution at nucleotide position 3475. The alanine at codon 1159 is replaced by proline, an amino acid with highly similar properties. This amino acid position is not well conserved in available vertebrate species. In addition, this alteration is predicted to be tolerated by in silico analysis. Since supporting evidence is limited at this time, the clinical significance of this alteration remains unclear.